The following is an entry in ClinVar:

ClinVar aggregate classification (germline): Likely benign. Review status: criteria provided, multiple submitters, no conflicts (2 of 4 stars). 3 submissions from 3 submitters: Likely benign (3). Last evaluated 2025-12-24.

Allele frequency attached by ClinVar (database versions not stated): ExAC 0.00004; gnomAD 0.00005; TOPMed 0.00005; ESP Exome Variant Server 0.00008.
gnomAD v4.1: 70 of 1,612,574 alleles (0.0043%); highest among the groups gnomAD compares: Non-Finnish European, 0.0054%; no homozygotes.

Submissions (3):

Labcorp Genetics (formerly Invitae), Labcorp
Classification: Likely benign. Last evaluated: 2025-12-24. Review status: criteria provided, single submitter. Criteria: Invitae Variant Classification Sherloc (09022015). Collection method: clinical testing. Allele origin: germline.

CeGaT Center for Human Genetics Tuebingen
Classification: Likely benign. Last evaluated: 2025-11-01. Review status: criteria provided, single submitter. Criteria: CeGaT Center For Human Genetics Tuebingen Variant Classification Criteria Version 2. Collection method: clinical testing. Allele origin: germline. Affected: yes. Observed: 1 variant allele.
Comment: ACAD9: BP4, BP7

Mayo Clinic Laboratories, Mayo Clinic
Classification: Likely benign. Last evaluated: 2024-11-11. Review status: criteria provided, single submitter. Criteria: ACMG Guidelines, 2015. Collection method: clinical testing. Allele origin: germline. Observed: 1 variant allele.
Comment: BP4, BP7

NM_014049.5(ACAD9):c.15G>T (p.Gly5=)

Gene: ACAD9 (acyl-CoA dehydrogenase family member 9; plus strand). Cytogenetic location: 3q21.3.
Variant type: single nucleotide variant.
Coding change: c.15G>T on transcript NM_014049.5 (MANE Select); coding-DNA position 15, G replaced by T.
Protein change: p.Gly5=; no amino-acid change (glycine 5 retained).
Molecular consequence: synonymous variant. On other transcripts: non-coding transcript variant (1).
Genome position (GRCh38, 1-based): chr3:128,879,706, G>T. VCF-style: chr3-128879706-G-T. GRCh37 (hg19) VCF-style: chr3-128598549-G-T.
Other names: p.Gly5=.
Identifiers: ClinVar variation 724465 (VCV000724465.17), dbSNP rs139710753, ClinGen allele CA2600997.
Genomic context (GRCh38, chr3:128,879,706, plus strand): 5'-GCTAAGAAGGGGAGACTGAGGCTGAGGCTGGGGAACATCGGGCAGCATGAGCGGCTGCGG[G>T]CTCTTCCTGCGCACCACGGCTGCGGCTCGTGCCTGCCGGGGTCTGGTGGTCTCTACCGCG-3'
Protein context (NP_054768.2, residues 1-15): MSGC[Gly5=]LFLRTTAAAR